The following is an entry in ClinVar:

NM_000059.4(BRCA2):c.2300G>C (p.Ser767Thr)

Gene: BRCA2 (BRCA2 DNA repair associated; plus strand). Cytogenetic location: 13q13.1.
Variant type: single nucleotide variant.
Coding change: c.2300G>C on transcript NM_000059.4 (MANE Select); coding-DNA position 2300, G replaced by C.
Protein change: p.Ser767Thr; replaces serine 767 with threonine.
Molecular consequence: missense variant.
Genome position (GRCh38, 1-based): chr13:32,336,655, G>C. VCF-style: chr13-32336655-G-C. GRCh37 (hg19) VCF-style: chr13-32910792-G-C.
Other names: c.2300G>C, p.Ser767Thr (NM_001406719.1, NM_001406720.1); short protein forms S767T.
Identifiers: ClinVar variation 1789289 (VCV001789289.5), dbSNP rs2137485146, ClinGen allele CA387771295.
Genomic context (GRCh38, chr13:32,336,655, plus strand): 5'-AATACAGTGATACTGACTTTCAATCCCAGAAAAGTCTTTTATATGATCATGAAAATGCCA[G>C]CACTCTTATTTTAACTCCTACTTCCAAGGATGTTCTGTCAAACCTAGTCATGATTTCTAG-3'
Protein context (NP_000050.3, residues 757-777): KSLLYDHENA[Ser767Thr]TLILTPTSKD

ClinVar aggregate classification (germline): Conflicting classifications of pathogenicity. Review status: criteria provided, conflicting classifications (1 of 4 stars). 3 submissions from 3 submitters: Uncertain significance (2); Likely benign (1). Last evaluated 2023-12-26.

Conditions:
Hereditary cancer-predisposing syndrome. Also called: Hereditary Cancer Syndrome; Hereditary neoplastic syndrome; Tumor predisposition; Neoplastic Syndromes, Hereditary. Identifiers: Orphanet 140162, MedGen C0027672, MeSH D009386, MONDO:0015356.

Submissions (3):

Women's Health and Genetics/Laboratory Corporation of America, LabCorp
Classification: Uncertain significance. Last evaluated: 2023-12-26. Review status: criteria provided, single submitter. Criteria: LabCorp Variant Classification Summary - May 2015. Collection method: clinical testing. Allele origin: germline.
Comment: Variant summary: BRCA2 c.2300G>C (p.Ser767Thr) results in a conservative amino acid change in the encoded protein sequence. Five of five in-silico tools predict a benign effect of the variant on protein function. The variant was absent in 251096 control chromosomes. The available data on variant occurrences in the general population are insufficient to allow any conclusion about variant significance. To our knowledge, no occurrence of c.2300G>C in individuals affected with Hereditary Breast And Ovarian Cancer Syndrome and no experimental evidence demonstrating its impact on protein function have been reported. Two submitters have cited clinical-significance assessments for this variant to ClinVar after 2014. One submitter classified the variant as likely benign, and one submitter classified the variant as uncertain significance. Based on the evidence outlined above, the variant was classified as uncertain significance.

University of Washington Department of Laboratory Medicine, University of Washington
Classification: Likely benign for Hereditary cancer-predisposing syndrome. Last evaluated: 2023-03-23. Review status: criteria provided, single submitter. Criteria: Dines et al. (Genet Med. 2020). Collection method: curation. Allele origin: germline.
Comment: Missense variant in a coldspot region where missense variants are very unlikely to be pathogenic (PMID:31911673).

BRCA2 exon 11 coldspot. Reclassification based on statistical prior probability.

Ambry Genetics
Classification: Uncertain significance for Hereditary cancer-predisposing syndrome. Last evaluated: 2021-11-16. Review status: criteria provided, single submitter. Criteria: Ambry Variant Classification Scheme 2023. Collection method: clinical testing. Allele origin: germline.
Comment: The p.S767T variant (also known as c.2300G>C), located in coding exon 10 of the BRCA2 gene, results from a G to C substitution at nucleotide position 2300. The serine at codon 767 is replaced by threonine, an amino acid with similar properties. This amino acid position is not well conserved in available vertebrate species. In addition, this alteration is predicted to be tolerated by in silico analysis. Since supporting evidence is limited at this time, the clinical significance of this alteration remains unclear.